The following is an entry in ClinVar:

NM_001031850.4(PSG6):c.605A>G (p.Tyr202Cys)

Gene: PSG6 (pregnancy specific beta-1-glycoprotein 6; minus strand). Cytogenetic location: 19q13.31.
Variant type: single nucleotide variant.
Coding change: c.605A>G on transcript NM_001031850.4 (MANE Select); coding-DNA position 605, A replaced by G.
Protein change: p.Tyr202Cys; replaces tyrosine 202 with cysteine.
Molecular consequence: missense variant.
Genome position (GRCh38, 1-based): chr19:42,910,681, T>C on the plus strand (A>G on the coding strand, the complement: PSG6 is on the minus strand). VCF-style: chr19-42910681-T-C. GRCh37 (hg19) VCF-style: chr19-43414833-T-C.
Other names: c.605A>G, p.Tyr202Cys (NM_002782.5); short protein forms Y202C.
Identifiers: ClinVar variation 2412342 (VCV002412342.26), dbSNP rs147725300, ClinGen allele CA9481373.

ClinVar aggregate classification (germline): Conflicting classifications of pathogenicity. Review status: criteria provided, conflicting classifications (1 of 4 stars). 2 submissions from 2 submitters: Uncertain significance (1); Likely benign (1). Last evaluated 2022-11-01.

Allele frequency attached by ClinVar (database versions not stated): 1000 Genomes Project 30x 0.00062; ESP Exome Variant Server 0.00115.
gnomAD v4.1: 1,632 of 1,612,324 alleles (0.1%); highest among the groups gnomAD compares: Non-Finnish European, 0.12%; 34 homozygotes.

Submissions (2):

CeGaT Center for Human Genetics Tuebingen
Classification: Likely benign. Last evaluated: 2022-11-01. Review status: criteria provided, single submitter. Criteria: CeGaT Center For Human Genetics Tuebingen Variant Classification Criteria Version 2. Collection method: clinical testing. Allele origin: germline. Affected: yes. Observed: 1 variant allele.
Comment: PSG6: BP4, BS2

Ambry Genetics
Classification: Uncertain significance. Last evaluated: 2021-07-09. Review status: criteria provided, single submitter. Criteria: Ambry Variant Classification Scheme 2023. Collection method: clinical testing. Allele origin: germline.